The following is an entry in ClinVar:

ClinVar aggregate classification (germline): Uncertain significance (1 of 4 stars; one submission).

Conditions:
Retinoblastoma (RB1). Also called: RETINOBLASTOMA, SOMATIC. Identifiers: Orphanet 790, MedGen C0035335, MeSH D012175, MONDO:0008380, OMIM 180200, HP:0009919. Disease mechanism: loss of function. Inheritance: Both sporadic and heritable forms are tested..

Submission:

Labcorp Genetics (formerly Invitae), Labcorp
Classification: Uncertain significance for Retinoblastoma. Last evaluated: 2024-11-03. Review status: criteria provided, single submitter. Criteria: Invitae Variant Classification Sherloc (09022015). Collection method: clinical testing. Allele origin: germline.
Comment: This sequence change replaces glutamic acid, which is acidic and polar, with lysine, which is basic and polar, at codon 587 of the RB1 protein (p.Glu587Lys). This variant is not present in population databases (gnomAD no frequency). This variant has not been reported in the literature in individuals affected with RB1-related conditions. Invitae Evidence Modeling of protein sequence and biophysical properties (such as structural, functional, and spatial information, amino acid conservation, physicochemical variation, residue mobility, and thermodynamic stability) has been performed for this missense variant. However, the output from this modeling did not meet the statistical confidence thresholds required to predict the impact of this variant on RB1 protein function. In summary, the available evidence is currently insufficient to determine the role of this variant in disease. Therefore, it has been classified as a Variant of Uncertain Significance.

NM_000321.3(RB1):c.1759G>A (p.Glu587Lys)

Gene: RB1 (RB transcriptional corepressor 1; plus strand). Cytogenetic location: 13q14.2.
Variant type: single nucleotide variant.
Coding change: c.1759G>A on transcript NM_000321.3 (MANE Select); coding-DNA position 1759, G replaced by A.
Protein change: p.Glu587Lys; replaces glutamic acid 587 with lysine.
Molecular consequence: missense variant.
Genome position (GRCh38, 1-based): chr13:48,453,056, G>A. VCF-style: chr13-48453056-G-A. GRCh37 (hg19) VCF-style: chr13-49027192-G-A.
Other names: c.1759G>A, p.Glu587Lys (NM_001407165.1); short protein forms E587K.
Identifiers: ClinVar variation 3665358 (VCV003665358.2).